The following is an entry in ClinVar:

ClinVar aggregate classification (germline): Uncertain significance. Review status: criteria provided, multiple submitters, no conflicts (2 of 4 stars). 2 submissions from 2 submitters: Uncertain significance (2). Last evaluated 2025-06-14.

Conditions:
Frontotemporal dementia and/or amyotrophic lateral sclerosis 4. Also called: FTDALS4. Identifiers: Orphanet 275872, MedGen C4225325, MONDO:0014641, OMIM 616439.

Submissions (2):

Labcorp Genetics (formerly Invitae), Labcorp
Classification: Uncertain significance for Frontotemporal dementia and/or amyotrophic lateral sclerosis 4. Last evaluated: 2025-06-14. Review status: criteria provided, single submitter. Criteria: Invitae Variant Classification Sherloc (09022015). Collection method: clinical testing. Allele origin: germline.
Comment: This sequence change replaces glutamic acid, which is acidic and polar, with lysine, which is basic and polar, at codon 55 of the TBK1 protein (p.Glu55Lys). This variant is not present in population databases (gnomAD no frequency). This variant has not been reported in the literature in individuals affected with TBK1-related conditions. ClinVar contains an entry for this variant (Variation ID: 1318921). An algorithm developed to predict the effect of missense changes on protein structure and function (PolyPhen-2) suggests that this variant is likely to be disruptive. In summary, the available evidence is currently insufficient to determine the role of this variant in disease. Therefore, it has been classified as a Variant of Uncertain Significance.

GeneDx
Classification: Uncertain significance. Last evaluated: 2019-08-16. Review status: criteria provided, single submitter. Criteria: GeneDx Variant Classification Process June 2021. Collection method: clinical testing. Allele origin: germline. Affected: yes.
Comment: Not observed in large population cohorts (Lek et al., 2016); In silico analysis, which includes protein predictors and evolutionary conservation, supports a deleterious effect; Has not been previously published as pathogenic or benign to our knowledge

NM_013254.4(TBK1):c.163G>A (p.Glu55Lys)

Gene: TBK1 (TANK binding kinase 1; plus strand). Cytogenetic location: 12q14.2.
Variant type: single nucleotide variant.
Coding change: c.163G>A on transcript NM_013254.4 (MANE Select); coding-DNA position 163, G replaced by A.
Protein change: p.Glu55Lys; replaces glutamic acid 55 with lysine.
Molecular consequence: missense variant.
Genome position (GRCh38, 1-based): chr12:64,460,264, G>A. VCF-style: chr12-64460264-G-A. GRCh37 (hg19) VCF-style: chr12-64854044-G-A.
Other names: short protein forms E55K.
Identifiers: ClinVar variation 1318921 (VCV001318921.3), dbSNP rs2136056674, ClinGen allele CA385594516.